The following is an entry in ClinVar:

ClinVar aggregate classification (germline): Pathogenic. Review status: criteria provided, multiple submitters, no conflicts (2 of 4 stars). 5 submissions from 5 submitters: Pathogenic (5). Last evaluated 2026-10-01.

Conditions:
Neurofibromatosis, type 1 (NF1). Also called: Neurofibromatosis, type I; NEUROFIBROMATOSIS, TYPE I, SOMATIC; Peripheral type neurofibromatosis; VON RECKLINGHAUSEN DISEASE. Identifiers: Orphanet 636, MedGen C0027831, MONDO:0018975, OMIM 162200. Disease mechanism: loss of function.
NF1-related disorder. Also called: NF1-related condition. Identifiers: MedGen CN379171.
Hereditary cancer-predisposing syndrome. Also called: Tumor predisposition; Hereditary Cancer Syndrome; Neoplastic Syndromes, Hereditary; Hereditary neoplastic syndrome. Identifiers: Orphanet 140162, MedGen C0027672, MeSH D009386, MONDO:0015356.
Cardiovascular phenotype. Identifiers: MedGen CN230736.

Submissions (5):

St. Jude Molecular Pathology, St. Jude Children's Research Hospital
Classification: Pathogenic for Neurofibromatosis, type 1. Last evaluated: 2026-10-01. Review status: criteria provided, single submitter. Criteria: St. Jude Assertion Criteria 2020. Collection method: clinical testing. Allele origin: germline.
Comment: The NF1 c.5927G>A p.(Trp1976Ter) change is a nonsense variant that is predicted to cause premature protein truncation or absence of the protein due to nonsense mediated decay. This variant has been rep orted in an individual with clinical features consistent with Neurofibromatosis type 1 (PMID: 26740943). This variant is absent in gnomAD v2.1.1. In summary, this variant meets criteria to be classified as pathogenic.

Ambry Genetics
Classification: Pathogenic for Cardiovascular phenotype; Hereditary cancer-predisposing syndrome. Last evaluated: 2025-11-05. Review status: criteria provided, single submitter. Criteria: Ambry Variant Classification Scheme 2023. Collection method: clinical testing. Allele origin: germline.
Comment: The p.W1976* variant (also known as c.5927G>A), located in coding exon 39 of the NF1 gene, results from a G to A substitution at nucleotide position 5927. This changes the amino acid from a tryptophan to a stop codon within coding exon 39. This variant was reported in individual(s) with features consistent with neurofibromatosis type 1 (Bianchessi D et al. Mol Genet Genomic Med. 2015 Nov;3:513-25; Ambry internal data). This variant is considered to be rare based on population cohorts in the Genome Aggregation Database (gnomAD). In addition to the clinical data presented in the literature, this alteration is expected to result in loss of function by premature protein truncation or nonsense-mediated mRNA decay. As such, this alteration is interpreted as a disease-causing mutation.

Blueprint Genetics
Classification: Pathogenic for NF1-related disorders. Last evaluated: 2024-07-09. Review status: criteria provided, single submitter. Criteria: ACMG Guidelines, 2015. Collection method: clinical testing. Allele origin: germline. Affected: yes. Observed: 1 variant allele.

GeneDx
Classification: Pathogenic. Last evaluated: 2023-10-16. Review status: criteria provided, single submitter. Criteria: GeneDx Variant Classification Process June 2021. Collection method: clinical testing. Allele origin: germline. Affected: yes.
Comment: Not observed at significant frequency in large population cohorts (gnomAD); Nonsense variant predicted to result in protein truncation or nonsense mediated decay in a gene for which loss of function is a known mechanism of disease; This variant is associated with the following publications: (PMID: 26740943)

Labcorp Genetics (formerly Invitae), Labcorp
Classification: Pathogenic for Neurofibromatosis, type 1. Last evaluated: 2022-07-21. Review status: criteria provided, single submitter. Criteria: Invitae Variant Classification Sherloc (09022015). Collection method: clinical testing. Allele origin: germline.
Comment: For these reasons, this variant has been classified as Pathogenic. This premature translational stop signal has been observed in individual(s) with clinical features of neurofibromatosis type 1 (PMID: 26740943). This variant is not present in population databases (gnomAD no frequency). This sequence change creates a premature translational stop signal (p.Trp1976*) in the NF1 gene. It is expected to result in an absent or disrupted protein product. Loss-of-function variants in NF1 are known to be pathogenic (PMID: 10712197, 23913538).

Literature cited by the submitters: PubMed 26740943 (cited by Ambry Genetics and Labcorp Genetics (formerly Invitae), Labcorp); PubMed 10712197 (cited by Labcorp Genetics (formerly Invitae), Labcorp); PubMed 23913538 (cited by Labcorp Genetics (formerly Invitae), Labcorp).

NM_001042492.3(NF1):c.5990G>A (p.Trp1997Ter)

Gene: NF1 (neurofibromin 1; plus strand). Cytogenetic location: 17q11.2.
Variant type: single nucleotide variant.
Coding change: c.5990G>A on transcript NM_001042492.3 (MANE Select); coding-DNA position 5990, G replaced by A.
Protein change: p.Trp1997Ter; replaces tryptophan 1997 with a stop codon.
Molecular consequence: nonsense.
Genome position (GRCh38, 1-based): chr17:31,335,015, G>A. VCF-style: chr17-31335015-G-A. GRCh37 (hg19) VCF-style: chr17-29662033-G-A.
Other names: c.5927G>A, p.Trp1976Ter (NM_000267.4); short protein forms W1997*, W1976*.
Identifiers: ClinVar variation 1750534 (VCV001750534.11), dbSNP rs974012306, ClinGen allele CA289384694.